The following is an entry in ClinVar:

NM_005859.5(PURA):c.114_140del (p.Gly41_Gly49del)

Gene: PURA (purine rich element binding protein A; plus strand). Cytogenetic location: 5q31.3.
Variant type: Deletion.
Coding change: c.114_140del on transcript NM_005859.5 (MANE Select); coding-DNA positions 114 to 140, 27 bases deleted (GGGCGGCGGCGGCAGTGGCGGCGGCGG).
Protein change: p.Gly41_Gly49del.
Molecular consequence: inframe deletion.
Genome position (GRCh38, 1-based): chr5:140,114,295-140,114,321, GGGCGGCGGCGGCAGTGGCGGCGGCGG deleted; deleting any 27 consecutive bases within chr5:140,114,287-140,114,321 gives the same sequence; the c. name uses the placement nearest the transcript's 3' end. VCF-style (leftmost placement, unchanged base first): chr5-140114286-TGGCGGCGGGGGCGGCGGCGGCAGTGGC-T. GRCh37 (hg19) VCF-style: chr5-139493871-TGGCGGCGGGGGCGGCGGCGGCAGTGGC-T.
Identifiers: ClinVar variation 861157 (VCV000861157.12), dbSNP rs1271325628, ClinGen allele CA804698823.
Genomic context (GRCh38, chr5:140,114,286, plus strand): 5'-GGGTTCGGGCGGCTCCCTGGGGCACCCCGGCTCGGGCTCAGGCTCCGGCGGGGGCGGTGG[TGGCGGCGGGGGCGGCGGCGGCAGTGGC>T]GGCGGCGGCGGCGGGGCCCCAGGGGGGCTGCAGCACGAGACGCAGGAGCTGGCCTCCAAG-3'

ClinVar aggregate classification (germline): Conflicting classifications of pathogenicity. Review status: criteria provided, conflicting classifications (1 of 4 stars). 2 submissions from 2 submitters: Uncertain significance (1); Likely benign (1). Last evaluated 2025-03-19.

Conditions:
PURA-related severe neonatal hypotonia-seizures-encephalopathy syndrome (NEDRIHF). Also called: NEURODEVELOPMENTAL DISORDER WITH NEONATAL RESPIRATORY INSUFFICIENCY, HYPOTONIA, AND FEEDING DIFFICULTIES; PURA-Related Neurodevelopmental Disorders. Identifiers: Orphanet 438213, Orphanet 438216, MedGen C4015357, MONDO:1060108, OMIM 616158, MONDO:0018580.

Submissions (2):

GeneDx
Classification: Uncertain significance. Last evaluated: 2025-03-19. Review status: criteria provided, single submitter. Criteria: GeneDx Variant Classification Process June 2021. Collection method: clinical testing. Allele origin: germline. Affected: yes.
Comment: In-frame deletion of 9 amino acid(s) in a non-repeat region; In silico analysis indicates that this variant does not alter protein structure/function; Has not been previously published as pathogenic or benign to our knowledge

Labcorp Genetics (formerly Invitae), Labcorp
Classification: Likely benign for PURA-related severe neonatal hypotonia-seizures-encephalopathy syndrome. Last evaluated: 2024-05-20. Review status: criteria provided, single submitter. Criteria: Invitae Variant Classification Sherloc (09022015). Collection method: clinical testing. Allele origin: germline.